The following is an entry in ClinVar:

NM_001556.3(IKBKB):c.-58C>G

Genes: IKBKB (inhibitor of nuclear factor kappa B kinase subunit beta; plus strand), LOC130000299 (ATAC-STARR-seq lymphoblastoid silent region 19154; plus strand). Cytogenetic location: 8p11.21.
Variant type: single nucleotide variant.
Coding change: c.-58C>G on transcript NM_001556.3 (MANE Select); 58 bases upstream of the start codon, C replaced by G.
Molecular consequence: 5 prime UTR variant. On other transcripts: non-coding transcript variant (3).
Genome position (GRCh38, 1-based): chr8:42,271,430, C>G. VCF-style: chr8-42271430-C-G. GRCh37 (hg19) VCF-style: chr8-42128948-C-G.
Other names: c.-127C>G (NM_001190720.3); c.-140C>G (NM_001242778.2).
Identifiers: ClinVar variation 3039508 (VCV003039508.2), dbSNP rs1292159836, ClinGen allele CA2687094513.

ClinVar aggregate classification (germline): Likely benign (0 of 4 stars; one submission).

Conditions:
IKBKB-related disorder. Also called: IKBKB-related condition.

Submission:

PreventionGenetics, part of Exact Sciences
Classification: Likely benign for IKBKB-related condition. Last evaluated: 2020-05-07. Review status: no assertion criteria provided. Collection method: clinical testing. Allele origin: germline.
Comment: This variant is classified as likely benign based on ACMG/AMP sequence variant interpretation guidelines (Richards et al. 2015 PMID: 25741868, with internal and published modifications).